The following is an entry in ClinVar:

NM_181882.3(PRX):c.3107C>T (p.Ala1036Val)

Gene: PRX (periaxin; minus strand). Cytogenetic location: 19q13.2.
Variant type: single nucleotide variant.
Coding change: c.3107C>T on transcript NM_181882.3 (MANE Select); coding-DNA position 3107, C replaced by T.
Protein change: p.Ala1036Val; replaces alanine 1036 with valine.
Molecular consequence: missense variant. On other transcripts: 3 prime UTR variant (1).
Genome position (GRCh38, 1-based): chr19:40,395,245, G>A on the plus strand (C>T on the coding strand, the complement: PRX is on the minus strand). VCF-style: chr19-40395245-G-A. GRCh37 (hg19) VCF-style: chr19-40901152-G-A.
Other names: c.3392C>T, p.Ala1131Val (NM_001411127.1); c.*3312C>T (NM_020956.2); short protein forms A1131V, A1036V.
Identifiers: ClinVar variation 1727697 (VCV001727697.3), dbSNP rs771237505, ClinGen allele CA9443920.

ClinVar aggregate classification (germline): Uncertain significance. Review status: criteria provided, multiple submitters, no conflicts (2 of 4 stars). 2 submissions from 2 submitters: Uncertain significance (2). Last evaluated 2022-05-27.

Conditions:
Inborn genetic diseases. Identifiers: MedGen C0950123, MeSH D030342.
Dejerine-Sottas disease. Also called: DEJERINE-SOTTAS NEUROPATHY; HEREDITARY MOTOR AND SENSORY NEUROPATHY TYPE III; HMSN Type III; Hereditary motor and sensory neuropathy 3; Charcot-Marie-Tooth disease type 3. Identifiers: Orphanet 64748, MedGen C0011195, MONDO:0007790, OMIM 145900.
Charcot-Marie-Tooth disease type 4F. Also called: Charcot-Marie-Tooth disease, demyelinating, type 4F. Identifiers: Orphanet 99952, MedGen C3540453, MONDO:0013959, OMIM 614895.

Allele frequency attached by ClinVar (database versions not stated): gnomAD 0.00001; gnomAD exomes 0.00001; ExAC 0.00002.
gnomAD v4.1: 17 of 1,613,830 alleles (0.0011%); highest among the groups gnomAD compares: Non-Finnish European, 0.0014%; no homozygotes.

Submissions (2):

Department of Pathology and Laboratory Medicine, Sinai Health System
Classification: Uncertain significance for Dejerine-Sottas disease; Charcot-Marie-Tooth disease type 4F. Last evaluated: 2022-05-27. Review status: criteria provided, single submitter. Criteria: ACMG Guidelines, 2015. Collection method: research. Allele origin: germline.

Ambry Genetics
Classification: Uncertain significance for Inborn genetic diseases. Last evaluated: 2021-06-17. Review status: criteria provided, single submitter. Criteria: Ambry Variant Classification Scheme 2023. Collection method: clinical testing. Allele origin: germline.
Comment: The p.A1036V variant (also known as c.3107C>T), located in coding exon 4 of the PRX gene, results from a C to T substitution at nucleotide position 3107. The alanine at codon 1036 is replaced by valine, an amino acid with similar properties. This amino acid position is conserved. In addition, this alteration is predicted to be tolerated by in silico analysis. Since supporting evidence is limited at this time, the clinical significance of this alteration remains unclear.